The following is an entry in ClinVar:

NM_138694.4(PKHD1):c.2796T>A (p.Cys932Ter)

Gene: PKHD1 (PKHD1 ciliary IPT domain containing fibrocystin/polyductin; minus strand). Cytogenetic location: 6p12.2.
Variant type: single nucleotide variant.
Coding change: c.2796T>A on transcript NM_138694.4 (MANE Select); coding-DNA position 2796, T replaced by A.
Protein change: p.Cys932Ter; replaces cysteine 932 with a stop codon.
Molecular consequence: nonsense.
Genome position (GRCh38, 1-based): chr6:52,043,650, A>T on the plus strand (T>A on the coding strand, the complement: PKHD1 is on the minus strand). VCF-style: chr6-52043650-A-T. GRCh37 (hg19) VCF-style: chr6-51908448-A-T.
Other names: c.2796T>A, p.Cys932Ter (NM_170724.3); short protein forms C932*.
Identifiers: ClinVar variation 2707658 (VCV002707658.3), dbSNP rs2533065197, ClinGen allele CA364442559.
Genomic context (GRCh38, chr6:52,043,650, plus strand): 5'-TTAAGCCCATCTCAGAGCCAAGTGACAAATCATACCAATGGAGTACCACACAGAATGGAC[A>T]CAGGGAGTTGACCCTTGGAGGTACTGGAAAGAGCAGGAACCTGGGCAATGAGCTGGTACA-3'

ClinVar aggregate classification (germline): Pathogenic (1 of 4 stars; one submission).

Conditions:
Autosomal recessive polycystic kidney disease (ARPKD). Also called: AR polycystic kidney disease. Identifiers: Orphanet 731, Orphanet 8378, MedGen C0085548, MeSH D017044, MONDO:0009889.

Submission:

Labcorp Genetics (formerly Invitae), Labcorp
Classification: Pathogenic for Autosomal recessive polycystic kidney disease. Last evaluated: 2023-06-10. Review status: criteria provided, single submitter. Criteria: Invitae Variant Classification Sherloc (09022015). Collection method: clinical testing. Allele origin: germline.
Comment: This variant is not present in population databases (gnomAD no frequency). This sequence change creates a premature translational stop signal (p.Cys932*) in the PKHD1 gene. It is expected to result in an absent or disrupted protein product. Loss-of-function variants in PKHD1 are known to be pathogenic (PMID: 19940839). For these reasons, this variant has been classified as Pathogenic. This variant has not been reported in the literature in individuals affected with PKHD1-related conditions.

Literature cited by the submitters: PubMed 19940839.